The following is an entry in ClinVar:

ClinVar aggregate classification (germline): Uncertain significance (1 of 4 stars; one submission).

Submission:

CeGaT Center for Human Genetics Tuebingen
Classification: Uncertain significance. Last evaluated: 2026-08-01. Review status: criteria provided, single submitter. Criteria: CeGaT Center For Human Genetics Tuebingen Variant Classification Criteria Version 2. Collection method: clinical testing. Allele origin: germline. Affected: yes. Observed: 2 variant alleles.
Comment: CACNA1F: PM2, PP3

NM_001256789.3(CACNA1F):c.817+5G>C

Gene: CACNA1F (calcium voltage-gated channel subunit alpha1 F; minus strand). Cytogenetic location: Xp11.23.
Variant type: single nucleotide variant.
Coding change: c.817+5G>C on transcript NM_001256789.3 (MANE Select); 5 bases into the intron after coding-DNA position 817, G replaced by C.
Molecular consequence: intron variant.
Genome position (GRCh38, 1-based): chrX:49,230,215, C>G on the plus strand (G>C on the coding strand, the complement: CACNA1F is on the minus strand). VCF-style: chrX-49230215-C-G. GRCh37 (hg19) VCF-style: chrX-49086677-C-G.
Other names: c.817+5G>C (NM_005183.4); c.622+5G>C (NM_001256790.3).
Identifiers: ClinVar variation 4823590 (VCV004823590.4).
Genomic context (GRCh38, chrX:49,230,215, plus strand): 5'-GCAGCATTGGATCTAGGAACCGAAGGAGGGGGCATGTTCTGCCTAGGAGGGGCGGGCAGA[C>G]TAACCGGATCCCAGGAAGTAGCACGTCTTGTGCATTCGTCCAAGGAACAGCTCGAGCCCA-3'